The following is an entry in ClinVar:

ClinVar aggregate classification (germline): Uncertain significance (1 of 4 stars; one submission).

Conditions:
JAG1-related disorder. Also called: JAG1-related condition; JAG1-related disorders.

Submission:

PreventionGenetics, part of Exact Sciences
Classification: Uncertain significance for JAG1-related condition. Last evaluated: 2026-07-21. Review status: criteria provided, single submitter. Criteria: ACMG Guidelines, 2015. Collection method: clinical testing. Allele origin: germline.
Comment: The JAG1 c.170G>A variant is predicted to result in the amino acid substitution p.Gly57Asp. To our knowledge, this variant has not been reported in the literature or in a large population database (gnomAD), indicating this variant is rare. At this time, the clinical significance of this variant is uncertain due to the absence of conclusive functional and genetic evidence.

NM_000214.3(JAG1):c.170G>A (p.Gly57Asp)

Gene: JAG1 (jagged canonical Notch ligand 1; minus strand). Cytogenetic location: 20p12.2.
Variant type: single nucleotide variant.
Coding change: c.170G>A on transcript NM_000214.3 (MANE Select); coding-DNA position 170, G replaced by A.
Protein change: p.Gly57Asp; replaces glycine 57 with aspartic acid.
Molecular consequence: missense variant.
Genome position (GRCh38, 1-based): chr20:10,672,918, C>T on the plus strand (G>A on the coding strand, the complement: JAG1 is on the minus strand). VCF-style: chr20-10672918-C-T. GRCh37 (hg19) VCF-style: chr20-10653566-C-T.
Other names: short protein forms G57D.
Identifiers: ClinVar variation 4993370 (VCV004993370.1).
Genomic context (GRCh38, chr20:10,672,918, plus strand): 5'-ACTTTGAAGTATGTGTCACACTCGTCGCGGGTGCACTTGCGGTCTCCCGGGTTCCGGGCG[C>T]CGCCGCAGCAGTTCCCGTTCTGCAGCTCCCCGTTCACGTTCTGCATGGACAGGATCTCCA-3'
Protein context (NP_000205.1, residues 47-67): GELQNGNCCG[Gly57Asp]ARNPGDRKCT